The following is an entry in ClinVar:

ClinVar aggregate classification (germline): Uncertain significance. Review status: criteria provided, multiple submitters, no conflicts (2 of 4 stars). 2 submissions from 2 submitters: Uncertain significance (2). Last evaluated 2025-09-29.

Conditions:
Primary ciliary dyskinesia. Also called: Ciliary dyskinesia. Identifiers: Orphanet 244, MedGen C0008780, MONDO:0016575, HP:0012265.

Allele frequency attached by ClinVar (database versions not stated): gnomAD exomes below 0.00001; TOPMed below 0.00001.
gnomAD v4.1: 1 of 1,613,686 alleles (0.000062%); highest among the groups gnomAD compares: Middle Eastern, 0.017%; no homozygotes.

Submissions (2):

Labcorp Genetics (formerly Invitae), Labcorp
Classification: Uncertain significance for Primary ciliary dyskinesia. Last evaluated: 2025-09-29. Review status: criteria provided, single submitter. Criteria: Invitae Variant Classification Sherloc (09022015). Collection method: clinical testing. Allele origin: germline.
Comment: This sequence change replaces histidine, which is basic and polar, with tyrosine, which is neutral and polar, at codon 604 of the DNAAF5 protein (p.His604Tyr). This variant is not present in population databases (gnomAD no frequency). This variant has not been reported in the literature in individuals affected with DNAAF5-related conditions. ClinVar contains an entry for this variant (Variation ID: 2663632). Invitae Evidence Modeling of protein sequence and biophysical properties (such as structural, functional, and spatial information, amino acid conservation, physicochemical variation, residue mobility, and thermodynamic stability) indicates that this missense variant is not expected to disrupt DNAAF5 protein function with a negative predictive value of 80%. In summary, the available evidence is currently insufficient to determine the role of this variant in disease. Therefore, it has been classified as a Variant of Uncertain Significance.

GeneDx
Classification: Uncertain significance. Last evaluated: 2023-05-01. Review status: criteria provided, single submitter. Criteria: GeneDx Variant Classification Process June 2021. Collection method: clinical testing. Allele origin: germline. Affected: yes.
Comment: Not observed at significant frequency in large population cohorts (gnomAD); In silico analysis supports that this missense variant does not alter protein structure/function; Has not been previously published as pathogenic or benign to our knowledge

NM_017802.4(DNAAF5):c.1810C>T (p.His604Tyr)

Gene: DNAAF5 (dynein axonemal assembly factor 5; plus strand). Cytogenetic location: 7p22.3.
Variant type: single nucleotide variant.
Coding change: c.1810C>T on transcript NM_017802.4 (MANE Select); coding-DNA position 1810, C replaced by T.
Protein change: p.His604Tyr; replaces histidine 604 with tyrosine.
Molecular consequence: missense variant. On other transcripts: non-coding transcript variant (1).
Genome position (GRCh38, 1-based): chr7:770,497, C>T. VCF-style: chr7-770497-C-T. GRCh37 (hg19) VCF-style: chr7-810134-C-T.
Other names: short protein forms H604Y.
Identifiers: ClinVar variation 2663632 (VCV002663632.2), dbSNP rs1778519524, ClinGen allele CA366542960.